The following is an entry in ClinVar:

NM_213599.3(ANO5):c.1606A>C (p.Ile536Leu)

Gene: ANO5 (anoctamin 5; plus strand). Cytogenetic location: 11p14.3.
Variant type: single nucleotide variant.
Coding change: c.1606A>C on transcript NM_213599.3 (MANE Select); coding-DNA position 1606, A replaced by C.
Protein change: p.Ile536Leu; replaces isoleucine 536 with leucine.
Molecular consequence: missense variant.
Genome position (GRCh38, 1-based): chr11:22,259,717, A>C. VCF-style: chr11-22259717-A-C. GRCh37 (hg19) VCF-style: chr11-22281263-A-C.
Other names: c.1603A>C, p.Ile535Leu (NM_001142649.2); c.1564A>C, p.Ile522Leu (NM_001410963.1); c.1561A>C, p.Ile521Leu (NM_001410964.1); short protein forms I535L, I536L, I522L, I521L.
Identifiers: ClinVar variation 2176221 (VCV002176221.7), dbSNP rs770320815, ClinGen allele CA5923291.

ClinVar aggregate classification (germline): Uncertain significance. Review status: criteria provided, multiple submitters, no conflicts (2 of 4 stars). 2 submissions from 2 submitters: Uncertain significance (2). Last evaluated 2022-12-01.

Conditions:
Gnathodiaphyseal dysplasia (GDD). Also called: GNATHODIAPHYSEAL SCLEROSIS; OSTEOGENESIS IMPERFECTA WITH UNUSUAL SKELETAL LESIONS. Identifiers: Orphanet 53697, MedGen C1833736, MONDO:0008151, OMIM 166260.
Autosomal recessive limb-girdle muscular dystrophy type 2L (LGMDR12). Also called: Limb-girdle muscular dystrophy, type 2L; Limb-Girdle Muscular Dystrophy R12 Anoctamin-5-Related (LGMD-R12); MUSCULAR DYSTROPHY, LIMB-GIRDLE, AUTOSOMAL RECESSIVE 12. Identifiers: Orphanet 206549, MedGen C1969785, MONDO:0012652, OMIM 611307.

Allele frequency attached by ClinVar (database versions not stated): ExAC 0.00001.
gnomAD v4.1: 8 of 1,613,724 alleles (0.0005%); highest among the groups gnomAD compares: Middle Eastern, 0.033%; no homozygotes.

Submissions (2):

Labcorp Genetics (formerly Invitae), Labcorp
Classification: Uncertain significance for Autosomal recessive limb-girdle muscular dystrophy type 2L; Gnathodiaphyseal dysplasia. Last evaluated: 2022-12-01. Review status: criteria provided, single submitter. Criteria: Invitae Variant Classification Sherloc (09022015). Collection method: clinical testing. Allele origin: germline.
Comment: In summary, the available evidence is currently insufficient to determine the role of this variant in disease. Therefore, it has been classified as a Variant of Uncertain Significance. Advanced modeling of protein sequence and biophysical properties (such as structural, functional, and spatial information, amino acid conservation, physicochemical variation, residue mobility, and thermodynamic stability) performed at Invitae indicates that this missense variant is not expected to disrupt ANO5 protein function. This variant is present in population databases (rs770320815, gnomAD 0.0009%). This variant has not been reported in the literature in individuals affected with ANO5-related conditions. This sequence change replaces isoleucine, which is neutral and non-polar, with leucine, which is neutral and non-polar, at codon 536 of the ANO5 protein (p.Ile536Leu).

Revvity Omics, Revvity
Classification: Uncertain significance. Last evaluated: 2019-03-26. Review status: criteria provided, single submitter. Criteria: ACMG Guidelines, 2015. Collection method: clinical testing. Allele origin: germline.